The following is an entry in ClinVar:

ClinVar aggregate classification (germline): Uncertain significance. Review status: criteria provided, multiple submitters, no conflicts (2 of 4 stars). 2 submissions from 2 submitters: Uncertain significance (2). Last evaluated 2025-12-21.

Conditions:
Tuberous sclerosis syndrome (TSC). Also called: Tuberous Sclerosis Complex; Tuberous sclerosis. Identifiers: Orphanet 805, MedGen C0041341, MONDO:0001734.
Tuberous sclerosis 2 (TSC2). Identifiers: Orphanet 805, MedGen C1860707, MONDO:0013199, OMIM 613254.

Allele frequency attached by ClinVar (database versions not stated): gnomAD exomes 0.00001.
gnomAD v4.1: 3 of 1,608,362 alleles (0.00019%); highest among the groups gnomAD compares: Non-Finnish European, 0.00025%; no homozygotes.

Submissions (2):

Labcorp Genetics (formerly Invitae), Labcorp
Classification: Uncertain significance for Tuberous sclerosis 2. Last evaluated: 2025-12-21. Review status: criteria provided, single submitter. Criteria: Invitae Variant Classification Sherloc (09022015). Collection method: clinical testing. Allele origin: germline.
Comment: This sequence change falls in intron 28 of the TSC2 gene. It does not directly change the encoded amino acid sequence of the TSC2 protein. This variant is present in population databases (no rsID available, gnomAD 0.0009%). This variant has not been reported in the literature in individuals affected with TSC2-related conditions. ClinVar contains an entry for this variant (Variation ID: 2193663). Algorithms developed to predict the effect of sequence changes on RNA splicing suggest that this variant may disrupt the consensus splice site. In summary, the available evidence is currently insufficient to determine the role of this variant in disease. Therefore, it has been classified as a Variant of Uncertain Significance.

All of Us Research Program, National Institutes of Health
Classification: Uncertain significance for Tuberous sclerosis syndrome. Last evaluated: 2024-07-20. Review status: criteria provided, single submitter. Criteria: ACMG Guidelines, 2015. Collection method: clinical testing. Allele origin: germline. Inheritance: Autosomal dominant inheritance. Observed: 1 variant allele, 1 heterozygote.
Comment: This variant causes a T to G nucleotide substitution at the -12 position of intron 28 of the TSC2 gene. Splice site prediction tools suggest that this variant may impact RNA splicing. To our knowledge, functional studies have not been reported for this variant. This variant has not been reported in individuals affected with TSC2-related disorders in the literature. This variant has been identified in 1/237900 chromosomes in the general population by the Genome Aggregation Database (gnomAD). The available evidence is insufficient to determine the role of this variant in disease conclusively. Therefore, this variant is classified as a Variant of Uncertain Significance.

This study involves interpretation of variants in research participants for the purpose of population health screening. Participant phenotype was not available at the time of variant classification. Additional details can be found in publication PMID: 35346344, PMCID: PMC8962531

NM_000548.5(TSC2):c.3285-12T>G

Gene: TSC2 (TSC complex subunit 2; plus strand). Cytogenetic location: 16p13.3.
Variant type: single nucleotide variant.
Coding change: c.3285-12T>G on transcript NM_000548.5 (MANE Select); 12 bases into the intron before coding-DNA position 3285, T replaced by G.
Molecular consequence: intron variant.
Genome position (GRCh38, 1-based): chr16:2,079,545, T>G. VCF-style: chr16-2079545-T-G. GRCh37 (hg19) VCF-style: chr16-2129546-T-G.
Other names: c.3285-12T>G (NM_001114382.3); c.3156-12T>G (NM_021055.3, NM_001370405.1, NM_001363528.2); c.3153-12T>G (NM_001370404.1, NM_001077183.3); c.3045-12T>G (NM_001318827.2); c.2553-12T>G (NM_001318831.2); c.3009-12T>G (NM_001318829.2); c.3186-12T>G (NM_001318832.2).
Identifiers: ClinVar variation 2193663 (VCV002193663.5), dbSNP rs1233401491, ClinGen allele CA620377842.